The following is an entry in ClinVar:

NM_000540.3(RYR1):c.13605G>C (p.Glu4535Asp)

Gene: RYR1 (ryanodine receptor 1; plus strand). Cytogenetic location: 19q13.2.
Variant type: single nucleotide variant.
Coding change: c.13605G>C on transcript NM_000540.3 (MANE Select); coding-DNA position 13605, G replaced by C.
Protein change: p.Glu4535Asp; replaces glutamic acid 4535 with aspartic acid.
Molecular consequence: missense variant.
Genome position (GRCh38, 1-based): chr19:38,567,863, G>C. VCF-style: chr19-38567863-G-C. GRCh37 (hg19) VCF-style: chr19-39058503-G-C.
Other names: c.13590G>C, p.Glu4530Asp (NM_001042723.2); short protein forms E4530D, E4535D.
Identifiers: ClinVar variation 1045490 (VCV001045490.8), dbSNP rs779198972, ClinGen allele CA405677940.
Genomic context (GRCh38, chr19:38,567,863, plus strand): 5'-CGAGCCCACACCAGAGCCCCCCAAGAAGCAAGCACCTCCCTCACCCCCTCCAAAGAAGGA[G>C]GAAGCTGGAGGCGAATTCTGGGGAGAACTGGAGGTGCAGAGGGTGAAGTTCCTGGTAAGG-3'
Protein context (NP_000531.2, residues 4525-4545): QAPPSPPPKK[Glu4535Asp]EAGGEFWGEL

ClinVar aggregate classification (germline): Uncertain significance (1 of 4 stars; one submission).

Conditions:
RYR1-related disorder. Also called: RYR1-related condition; RYR1-related disorders. Identifiers: MedGen CN239331.

gnomAD v4.1: 10 of 1,614,082 alleles (0.00062%); highest among the groups gnomAD compares: Non-Finnish European, 0.00085%; no homozygotes.

Submission:

Labcorp Genetics (formerly Invitae), Labcorp
Classification: Uncertain significance for RYR1-related disorder. Last evaluated: 2023-09-30. Review status: criteria provided, single submitter. Criteria: Invitae Variant Classification Sherloc (09022015). Collection method: clinical testing. Allele origin: germline.
Comment: This sequence change replaces glutamic acid, which is acidic and polar, with aspartic acid, which is acidic and polar, at codon 4535 of the RYR1 protein (p.Glu4535Asp). This variant is not present in population databases (gnomAD no frequency). This variant has not been reported in the literature in individuals affected with RYR1-related conditions. ClinVar contains an entry for this variant (Variation ID: 1045490). Advanced modeling of protein sequence and biophysical properties (such as structural, functional, and spatial information, amino acid conservation, physicochemical variation, residue mobility, and thermodynamic stability) performed at Invitae indicates that this missense variant is not expected to disrupt RYR1 protein function. In summary, the available evidence is currently insufficient to determine the role of this variant in disease. Therefore, it has been classified as a Variant of Uncertain Significance.